The following is an entry in ClinVar:

NM_020791.4(TAOK1):c.805C>T (p.Arg269Ter)

Gene: TAOK1 (TAO kinase 1; plus strand). Cytogenetic location: 17q11.2.
Variant type: single nucleotide variant.
Coding change: c.805C>T on transcript NM_020791.4 (MANE Select); coding-DNA position 805, C replaced by T.
Protein change: p.Arg269Ter; replaces arginine 269 with a stop codon.
Molecular consequence: nonsense.
Genome position (GRCh38, 1-based): chr17:29,491,839, C>T. VCF-style: chr17-29491839-C-T. GRCh37 (hg19) VCF-style: chr17-27818857-C-T.
Other names: c.805C>T, p.Arg269Ter (NM_025142.1); short protein forms R269*.
Identifiers: ClinVar variation 3776771 (VCV003776771.1).

ClinVar aggregate classification (germline): Likely pathogenic (1 of 4 stars; one submission).

Conditions:
Developmental delay with or without intellectual impairment or behavioral abnormalities. Identifiers: MedGen C5562004, MONDO:0859199, OMIM 619575.

Submission:

Institute of Human Genetics, Clinical Exome/Genome Diagnostics Group, University Hospital Bonn
Classification: Likely pathogenic for Developmental delay with or without intellectual impairment or behavioral abnormalities. Last evaluated: 2025-02-11. Review status: criteria provided, single submitter. Criteria: ACMG Guidelines, 2015. Collection method: clinical testing. Allele origin: germline. Inheritance: Autosomal dominant inheritance. Affected: yes. Observed: 1 heterozygote.
Comment: PVS1, PM2_supporting